The following is an entry in ClinVar:

ClinVar aggregate classification (germline): Likely benign. Review status: criteria provided, multiple submitters, no conflicts (2 of 4 stars). 2 submissions from 2 submitters: Likely benign (2). Last evaluated 2022-02-10.

Conditions:
Rhabdoid tumor predisposition syndrome 2 (RTPS2). Identifiers: Orphanet 231108, Orphanet 69077, MedGen C2750074, MONDO:0013224, OMIM 613325.

Submissions (2):

Labcorp Genetics (formerly Invitae), Labcorp
Classification: Likely benign for Rhabdoid tumor predisposition syndrome 2. Last evaluated: 2022-02-10. Review status: criteria provided, single submitter. Criteria: Invitae Variant Classification Sherloc (09022015). Collection method: clinical testing. Allele origin: germline.

GeneDx
Classification: Likely benign. Last evaluated: 2017-08-14. Review status: criteria provided, single submitter. Criteria: GeneDx Variant Classification (06012015). Collection method: clinical testing. Allele origin: germline. Affected: yes.
Comment: This variant is considered likely benign or benign based on one or more of the following criteria: it is a conservative change, it occurs at a poorly conserved position in the protein, it is predicted to be benign by multiple in silico algorithms, and/or has population frequency not consistent with disease.

NM_003072.5(SMARCA4):c.223-11C>G

Gene: SMARCA4 (SWI/SNF related BAF chromatin remodeling complex subunit ATPase 4; plus strand). Cytogenetic location: 19p13.2.
Variant type: single nucleotide variant.
Coding change: c.223-11C>G on transcript NM_003072.5 (MANE Select); 11 bases into the intron before coding-DNA position 223, C replaced by G.
Molecular consequence: intron variant.
Genome position (GRCh38, 1-based): chr19:10,985,262, C>G. VCF-style: chr19-10985262-C-G. GRCh37 (hg19) VCF-style: chr19-11095938-C-G.
Other names: c.223-11C>G (NM_001128844.3, NM_001128849.3, NM_001128847.4 and 5 more transcripts).
Identifiers: ClinVar variation 511459 (VCV000511459.5), dbSNP rs1555751898, ClinGen allele CA658799117.
Genomic context (GRCh38, chr19:10,985,262, plus strand): 5'-GGCAGCGCATAGCTGCGCTGCCACCTCACGTTCCACATGCTGACCCTGCCTTGCCATGGT[C>G]CCTCTCGCAGCCCATGGAGTCCATGCATGAGAAGGGCATGTCGGACGACCCGCGCTACAA-3'